The following is an entry in ClinVar:

ClinVar aggregate classification (germline): Uncertain significance (1 of 4 stars; one submission).

Conditions:
Progressive familial intrahepatic cholestasis type 1. Also called: Severe ATP8B1 Deficiency (Progressive Familial Intrahepatic Cholestasis Type 1 [PFIC1]); BYLER DISEASE; Byler's disease. Identifiers: Orphanet 79306, MedGen C4551898, MONDO:0008892, OMIM 211600.

gnomAD v4.1: 6 of 1,597,838 alleles (0.00038%); highest among the groups gnomAD compares: Non-Finnish European, 0.00051%; no homozygotes.

Submission:

MVZ Medizinische Genetik Mainz
Classification: Uncertain significance for Progressive familial intrahepatic cholestasis type 1. Last evaluated: 2025-08-14. Review status: criteria provided, single submitter. Criteria: UK Practice Guidelines For Variant Classification V4 01 2020. Collection method: clinical testing. Allele origin: germline. Inheritance: Autosomal recessive inheritance. Affected: yes. Observed: 1 variant allele.
Comment: ACMG Criteria: PM2_SUP,PM3_SUP,PP3,PP4

NM_001374385.1(ATP8B1):c.782G>A (p.Gly261Asp)

Gene: ATP8B1 (ATPase phospholipid transporting 8B1; minus strand). Cytogenetic location: 18q21.31.
Variant type: single nucleotide variant.
Coding change: c.782G>A on transcript NM_001374385.1 (MANE Select); coding-DNA position 782, G replaced by A.
Protein change: p.Gly261Asp; replaces glycine 261 with aspartic acid.
Molecular consequence: missense variant.
Genome position (GRCh38, 1-based): chr18:57,695,329, C>T on the plus strand (G>A on the coding strand, the complement: ATP8B1 is on the minus strand). VCF-style: chr18-57695329-C-T. GRCh37 (hg19) VCF-style: chr18-55362561-C-T.
Other names: c.632G>A, p.Gly211Asp (NM_001374386.1); c.782G>A, p.Gly261Asp (NM_005603.6); short protein forms G211D, G261D.
Identifiers: ClinVar variation 4077099 (VCV004077099.1).
Genomic context (GRCh38, chr18:57,695,329, plus strand): 5'-CAAAATAGTGTTCCTGTAAACTTATCTAGTCTGTTATTGGGTTCTTCACATTCAATAAAA[C>T]CTTTTAAAAATATAAGATTCACATAATTAATCACATACAAAAGTCTTTCTGGTTTTAATC-3'
Protein context (NP_001361314.1, residues 251-271): QREDTLATFD[Gly261Asp]FIECEEPNNR